The following is an entry in ClinVar:

ClinVar aggregate classification (germline): Pathogenic. Review status: criteria provided, single submitter (1 of 4 stars). 2 submissions from 2 submitters: Pathogenic (1). 1 of the submissions does not count toward it. Last evaluated 2023-03-25.

Conditions:
Autosomal dominant nonsyndromic hearing loss 15 (DFNA15). Also called: Autosomal dominant nonsyndromic hearing loss 52; DEAFNESS, AUTOSOMAL DOMINANT 52. Identifiers: Orphanet 90635, MedGen C1865366, MONDO:0011226, OMIM 602459.

Allele frequency attached by ClinVar (database versions not stated): gnomAD exomes below 0.00001.

Submissions (2):

Labcorp Genetics (formerly Invitae), Labcorp
Classification: Pathogenic. Last evaluated: 2023-03-25. Review status: criteria provided, single submitter. Criteria: Invitae Variant Classification Sherloc (09022015). Collection method: clinical testing. Allele origin: germline.
Comment: For these reasons, this variant has been classified as Pathogenic. Experimental studies have shown that this missense change affects POU4F3 function (PMID: 18228599). Advanced modeling of protein sequence and biophysical properties (such as structural, functional, and spatial information, amino acid conservation, physicochemical variation, residue mobility, and thermodynamic stability) performed at Invitae indicates that this missense variant is expected to disrupt POU4F3 protein function. ClinVar contains an entry for this variant (Variation ID: 7080). This missense change has been observed in individual(s) with autosomal dominant deafness (PMID: 18228599, 19462854; Invitae). It has also been observed to segregate with disease in related individuals. This variant is not present in population databases (gnomAD no frequency). This sequence change replaces leucine, which is neutral and non-polar, with proline, which is neutral and non-polar, at codon 223 of the POU4F3 protein (p.Leu223Pro).

OMIM
Classification: Pathogenic for DEAFNESS, AUTOSOMAL DOMINANT 15. Last evaluated: 2008-04-01. Review status: no assertion criteria provided. Collection method: literature only. Allele origin: germline. Not counted in ClinVar's aggregate classification.

Literature cited by the submitters: PubMed 18228599 (cited by Labcorp Genetics (formerly Invitae), Labcorp and OMIM); PubMed 19462854 (cited by Labcorp Genetics (formerly Invitae), Labcorp).

NM_002700.3(POU4F3):c.668T>C (p.Leu223Pro)

Genes: RBM27-POU4F3 (RBM27-POU4F3 readthrough; plus strand), POU4F3 (POU class 4 homeobox 3; plus strand). Cytogenetic location: 5q32.
Variant type: single nucleotide variant.
Coding change: c.668T>C on transcript NM_002700.3 (MANE Select); coding-DNA position 668, T replaced by C.
Protein change: p.Leu223Pro; replaces leucine 223 with proline.
Molecular consequence: missense variant.
Genome position (GRCh38, 1-based): chr5:146,340,095, T>C. VCF-style: chr5-146340095-T-C. GRCh37 (hg19) VCF-style: chr5-145719658-T-C.
Other names: short protein forms L223P.
Identifiers: ClinVar variation 7080 (VCV000007080.5), dbSNP rs121909057, ClinGen allele CA254102.